The following is an entry in ClinVar:

ClinVar aggregate classification (germline): Pathogenic/Likely pathogenic. Review status: criteria provided, multiple submitters, no conflicts (2 of 4 stars). 3 submissions from 3 submitters: Pathogenic (1); Likely pathogenic (2). Last evaluated 2025-07-17.

Conditions:
Hereditary diffuse gastric adenocarcinoma (HDGC). Also called: DIFFUSE GASTRIC AND LOBULAR BREAST CANCER SYNDROME. Identifiers: Orphanet 26106, MedGen C1708349, MONDO:0007648, OMIM 137215.
CDH1-related diffuse gastric and lobular breast cancer syndrome. Also called: CDH1-related diffuse gastric and lobular breast cancer. Identifiers: MedGen CN311521, MONDO:0100488.

Submissions (3):

Institute for Genomic Medicine (IGM) Clinical Laboratory, Nationwide Children's Hospital
Classification: Likely pathogenic for CDH1-related diffuse gastric and lobular breast cancer syndrome. Last evaluated: 2025-07-17. Review status: criteria provided, single submitter. Criteria: ACMG Guidelines, 2015. Collection method: clinical testing. Allele origin: germline.
Comment: This variant is predicted to result in loss of function through nonsense-mediated decay of the encoded transcript or premature truncation of the encoded protein in a gene in which loss of function is a known mechanism of disease (ACMG/AMP: PVS1; PMIDs:8557030, 9537325, 9751616, 10072428, 11104024, 11419427, 19168852, 17660459, 15831593, 20591882). This variant is absent from or present at an exceedingly low frequency in gnomAD, a large-scale control population database (ACMG/AMP: PM2).

Department of Pathology and Laboratory Medicine, Sinai Health System
Classification: Likely pathogenic for Hereditary diffuse gastric adenocarcinoma. Last evaluated: 2024-05-10. Review status: criteria provided, single submitter. Criteria: ACMG Guidelines, 2015. Collection method: clinical testing. Allele origin: germline. Affected: yes.

Myriad Genetics, Inc.
Classification: Pathogenic for Hereditary diffuse gastric adenocarcinoma. Last evaluated: 2023-06-12. Review status: criteria provided, single submitter. Criteria: Myriad Autosomal Dominant, Autosomal Recessive and X-Linked Classification Criteria (2023). Collection method: clinical testing. Allele origin: unknown.
Comment: This variant is considered pathogenic. This variant creates a frameshift predicted to result in premature protein truncation.

Literature cited by the submitters: PubMed 8557030 (cited by Institute for Genomic Medicine (IGM) Clinical Laboratory, Nationwide Children's Hospital); PubMed 9537325 (cited by Institute for Genomic Medicine (IGM) Clinical Laboratory, Nationwide Children's Hospital); PubMed 9751616 (cited by Institute for Genomic Medicine (IGM) Clinical Laboratory, Nationwide Children's Hospital); PubMed 10072428 (cited by Institute for Genomic Medicine (IGM) Clinical Laboratory, Nationwide Children's Hospital); PubMed 11104024 (cited by Institute for Genomic Medicine (IGM) Clinical Laboratory, Nationwide Children's Hospital); PubMed 11419427 (cited by Institute for Genomic Medicine (IGM) Clinical Laboratory, Nationwide Children's Hospital); PubMed 19168852 (cited by Institute for Genomic Medicine (IGM) Clinical Laboratory, Nationwide Children's Hospital); PubMed 17660459 (cited by Institute for Genomic Medicine (IGM) Clinical Laboratory, Nationwide Children's Hospital); PubMed 15831593 (cited by Institute for Genomic Medicine (IGM) Clinical Laboratory, Nationwide Children's Hospital); PubMed 20591882 (cited by Institute for Genomic Medicine (IGM) Clinical Laboratory, Nationwide Children's Hospital).

NM_004360.5(CDH1):c.1078del (p.Thr360fs)

Gene: CDH1 (cadherin 1; plus strand). Cytogenetic location: 16q22.1.
Variant type: Deletion.
Coding change: c.1078del on transcript NM_004360.5 (MANE Select); coding-DNA position 1078, one base deleted (A; older notation c.1078delA).
Protein change: p.Thr360fs; shifts the reading frame from threonine 360.
Molecular consequence: frameshift variant. On other transcripts: 5 prime UTR variant (2).
Genome position (GRCh38, 1-based): chr16:68,812,204, A deleted; the last of 2 consecutive A bases (chr16:68,812,203-68,812,204); deleting either gives the same sequence. VCF-style (leftmost placement, unchanged base first): chr16-68812202-CA-C. GRCh37 (hg19) VCF-style: chr16-68846105-CA-C.
Other names: c.1078del, p.Thr360fs (NM_001317184.2); c.-538del (NM_001317185.2); c.-742del (NM_001317186.2); short protein forms T360fs.
Identifiers: ClinVar variation 2583761 (VCV002583761.4), dbSNP rs2543924300, ClinGen allele CA2582342573.